The following is an entry in ClinVar:

GRCh38/hg38 19p13.2(chr19:7194917-7827432)x3

Genes: MCEMP1 (mast cell expressed membrane protein 1; plus strand), MCOLN1 (mucolipin TRP cation channel 1; plus strand), MIR6792 (microRNA 6792; plus strand), PCP2 (Purkinje cell protein 2; minus strand), PET100 (PET100 cytochrome c oxidase chaperone; plus strand) and 72 more. Cytogenetic location: 19p13.2.
Variant type: copy number gain.
Change: copy number 3 (three copies instead of two) of chr19:7,194,917-7,827,432 (632.5 kb, GRCh38 coordinates, 1-based), cytogenetic band 19p13.2.
Identifiers: ClinVar variation 60234 (VCV000060234.1).

ClinVar aggregate classification (germline): Uncertain significance (1 of 4 stars; one submission).

Submission:

ISCA site 4
Classification: Uncertain significance. Last evaluated: 2011-08-12. Review status: criteria provided, single submitter. Criteria: Kaminsky et al. (Genet Med. 2011). Collection method: clinical testing. Allele origin: paternal. Affected: yes. Observed: 1 variant allele.
Comment: Copy number variation identified through the course of routine clinical cytogenomic testing in postnatal populations. Clinical assertions have been curated as described in Kaminsky et al. 2011.